The following is an entry in ClinVar:

NM_001385012.1(NBEA):c.3952C>G (p.Arg1318Gly)

Gene: NBEA (neurobeachin; plus strand). Cytogenetic location: 13q13.3.
Variant type: single nucleotide variant.
Coding change: c.3952C>G on transcript NM_001385012.1 (MANE Select); coding-DNA position 3952, C replaced by G.
Protein change: p.Arg1318Gly; replaces arginine 1318 with glycine.
Molecular consequence: missense variant.
Genome position (GRCh38, 1-based): chr13:35,161,840, C>G. VCF-style: chr13-35161840-C-G. GRCh37 (hg19) VCF-style: chr13-35735977-C-G.
Other names: c.3952C>G, p.Arg1318Gly (NM_001379245.1, NM_015678.5); short protein forms R1318G.
Identifiers: ClinVar variation 3370737 (VCV003370737.1).
Genomic context (GRCh38, chr13:35,161,840, plus strand): 5'-GACCGAGATCTCCGAGTTGATTTAGGATTTCGAGGAATGCCAATGACTGAGGAACAGCGA[C>G]GCCAGTTTAGCCCAGGTCCACGGACTACAATGTTTCGTATTCCTGAGTTTAAATGGTCTC-3'
Protein context (NP_001371941.1, residues 1308-1328): RGMPMTEEQR[Arg1318Gly]QFSPGPRTTM

ClinVar aggregate classification (germline): Uncertain significance (1 of 4 stars; one submission).

Submission:

GeneDx
Classification: Uncertain significance. Last evaluated: 2024-03-13. Review status: criteria provided, single submitter. Criteria: GeneDx Variant Classification Process June 2021. Collection method: clinical testing. Allele origin: germline. Affected: yes.
Comment: Not observed at significant frequency in large population cohorts (gnomAD); In silico analysis supports that this missense variant has a deleterious effect on protein structure/function; Has not been previously published as pathogenic or benign to our knowledge